The following is an entry in ClinVar:

NM_001220.5(CAMK2B):c.1459T>G (p.Ser487Ala)

Gene: CAMK2B (calcium/calmodulin dependent protein kinase II beta; minus strand). Cytogenetic location: 7p13.
Variant type: single nucleotide variant.
Coding change: c.1459T>G on transcript NM_001220.5 (MANE Select); coding-DNA position 1459, T replaced by G.
Protein change: p.Ser487Ala; replaces serine 487 with alanine.
Molecular consequence: missense variant. On other transcripts: intron variant (8).
Genome position (GRCh38, 1-based): chr7:44,228,805, A>C on the plus strand (T>G on the coding strand, the complement: CAMK2B is on the minus strand). VCF-style: chr7-44228805-A-C. GRCh37 (hg19) VCF-style: chr7-44268404-A-C.
Other names: c.947-7904T>G (NM_172084.3); c.1150+2201T>G (NM_172080.3); c.1036+2201T>G (NM_172083.3); c.1108+2201T>G (NM_172081.3); c.1153+2201T>G (NM_172079.3, NM_172082.3); c.1225+2201T>G (NM_001293170.2, NM_172078.3); short protein forms S487A.
Identifiers: ClinVar variation 2999096 (VCV002999096.3), dbSNP rs759218951, ClinGen allele CA4240304.

ClinVar aggregate classification (germline): Uncertain significance (1 of 4 stars; one submission).

Allele frequency attached by ClinVar (database versions not stated): gnomAD 0.00001; TOPMed 0.00001; ExAC 0.00006.
gnomAD v4.1: 4 of 1,500,874 alleles (0.00027%); highest among the groups gnomAD compares: Admixed American, 0.01%; no homozygotes.

Submission:

Labcorp Genetics (formerly Invitae), Labcorp
Classification: Uncertain significance. Last evaluated: 2022-12-14. Review status: criteria provided, single submitter. Criteria: Invitae Variant Classification Sherloc (09022015). Collection method: clinical testing. Allele origin: germline.
Comment: This variant has not been reported in the literature in individuals affected with CAMK2B-related conditions. This variant is present in population databases (rs759218951, gnomAD 0.01%). In summary, the available evidence is currently insufficient to determine the role of this variant in disease. Therefore, it has been classified as a Variant of Uncertain Significance. Algorithms developed to predict the effect of missense changes on protein structure and function (SIFT, PolyPhen-2, Align-GVGD) all suggest that this variant is likely to be tolerated. This sequence change replaces serine, which is neutral and polar, with alanine, which is neutral and non-polar, at codon 487 of the CAMK2B protein (p.Ser487Ala).